The following is an entry in ClinVar:

ClinVar aggregate classification (germline): Conflicting classifications of pathogenicity. Review status: criteria provided, conflicting classifications (1 of 4 stars). 2 submissions from 2 submitters: Uncertain significance (1); Benign (1). Last evaluated 2025-06-09.

Conditions:
Hereditary cancer-predisposing syndrome. Also called: Hereditary neoplastic syndrome; Hereditary Cancer Syndrome; Neoplastic Syndromes, Hereditary; Tumor predisposition. Identifiers: Orphanet 140162, MedGen C0027672, MeSH D009386, MONDO:0015356.
Neurofibromatosis, type 1 (NF1). Also called: Neurofibromatosis, type I; VON RECKLINGHAUSEN DISEASE; NEUROFIBROMATOSIS, TYPE I, SOMATIC; Peripheral type neurofibromatosis. Identifiers: Orphanet 636, MedGen C0027831, MONDO:0018975, OMIM 162200. Disease mechanism: loss of function.

Submissions (2):

Labcorp Genetics (formerly Invitae), Labcorp
Classification: Benign for Neurofibromatosis, type 1. Last evaluated: 2025-06-09. Review status: criteria provided, single submitter. Criteria: Invitae Variant Classification Sherloc (09022015). Collection method: clinical testing. Allele origin: germline.

Sema4
Classification: Uncertain significance for Hereditary cancer-predisposing syndrome. Last evaluated: 2022-02-24. Review status: criteria provided, single submitter. Criteria: Sema4 Curation Guidelines. Collection method: curation. Allele origin: germline.
Comment: The NF1 c.587-5dupT variant has not been reported in the literature to our knowledge. This variant was observed in 1/113074 chromosomes in the Non-Finnish European population according to the Genome Aggregation Database (PMID: 32461654), but has not been reported in ClinVar. In silico tools suggest the variant does not significantly affect normal splicing, though these predictions have not been confirmed by functional studies. The evidence is insufficient to meet ACMG/AMP criteria for classifying the variant as benign or pathogenic. Thus, the clinical significance of this variant is currently uncertain.

NM_001042492.3(NF1):c.587-5dup

Gene: NF1 (neurofibromin 1; plus strand). Cytogenetic location: 17q11.2.
Variant type: Duplication.
Coding change: c.587-5dup on transcript NM_001042492.3 (MANE Select); 5 bases into the intron before coding-DNA position 587, one base duplicated (T; older notation c.587-5dupT).
Molecular consequence: intron variant.
Genome position (GRCh38, 1-based): chr17:31,181,417, T duplicated; the last of 6 consecutive T bases (chr17:31,181,412-31,181,417); duplicating any one gives the same sequence. VCF-style (leftmost placement, unchanged base first): chr17-31181411-G-GT. GRCh37 (hg19) VCF-style: chr17-29508429-G-GT.
Other names: c.587-5dup (NM_000267.4, NM_001128147.3).
Identifiers: ClinVar variation 1598855 (VCV001598855.10), dbSNP rs759349569, ClinGen allele CA8485569.